The following is an entry in ClinVar:

NM_000487.6(ARSA):c.460G>A (p.Asp154Asn)

Gene: ARSA (arylsulfatase A; minus strand). Cytogenetic location: 22q13.33.
Variant type: single nucleotide variant.
Coding change: c.460G>A on transcript NM_000487.6 (MANE Select); coding-DNA position 460, G replaced by A.
Protein change: p.Asp154Asn; replaces aspartic acid 154 with asparagine.
Molecular consequence: missense variant.
Genome position (GRCh38, 1-based): chr22:50,627,171, C>T on the plus strand (G>A on the coding strand, the complement: ARSA is on the minus strand). VCF-style: chr22-50627171-C-T. GRCh37 (hg19) VCF-style: chr22-51065599-C-T.
Other names: c.460G>A, p.Asp154Asn (NM_001085425.3, NM_001085426.3, NM_001085427.3); c.202G>A, p.Asp68Asn (NM_001085428.3, NM_001362782.2); short protein forms D68N, D154N.
Identifiers: ClinVar variation 1411623 (VCV001411623.10), dbSNP rs199476365, ClinGen allele CA412179968.

ClinVar aggregate classification (germline): Likely pathogenic (1 of 4 stars; one submission).

Conditions:
Metachromatic leukodystrophy (MLD). Also called: Cerebral sclerosis diffuse metachromatic form; Arylsulfatase A Deficiency; METACHROMATIC LEUKOENCEPHALOPATHY; SULFATIDE LIPIDOSIS; ARSA DEFICIENCY; CEREBROSIDE SULFATASE DEFICIENCY. Identifiers: Orphanet 512, MedGen C0023522, MONDO:0018868, OMIM 250100.

Allele frequency attached by ClinVar (database versions not stated): gnomAD exomes 0.00001.

Submission:

Labcorp Genetics (formerly Invitae), Labcorp
Classification: Likely pathogenic for Metachromatic leukodystrophy. Last evaluated: 2023-07-17. Review status: criteria provided, single submitter. Criteria: Invitae Variant Classification Sherloc (09022015). Collection method: clinical testing. Allele origin: germline.
Comment: This sequence change replaces aspartic acid, which is acidic and polar, with asparagine, which is neutral and polar, at codon 154 of the ARSA protein (p.Asp154Asn). This variant is present in population databases (no rsID available, gnomAD 0.009%). This variant has not been reported in the literature in individuals affected with ARSA-related conditions. ClinVar contains an entry for this variant (Variation ID: 1411623). Advanced modeling of protein sequence and biophysical properties (such as structural, functional, and spatial information, amino acid conservation, physicochemical variation, residue mobility, and thermodynamic stability) performed at Invitae indicates that this missense variant is expected to disrupt ARSA protein function. This variant disrupts the p.Asp154 amino acid residue in ARSA. Other variant(s) that disrupt this residue have been determined to be pathogenic (Invitae). This suggests that this residue is clinically significant, and that variants that disrupt this residue are likely to be disease-causing. In summary, the currently available evidence indicates that the variant is pathogenic, but additional data are needed to prove that conclusively. Therefore, this variant has been classified as Likely Pathogenic.